The following is an entry in ClinVar:

NM_025207.5(FLAD1):c.689A>C (p.His230Pro)

Gene: FLAD1 (flavin adenine dinucleotide synthetase 1; plus strand). Cytogenetic location: 1q21.3.
Variant type: single nucleotide variant.
Coding change: c.689A>C on transcript NM_025207.5 (MANE Select); coding-DNA position 689, A replaced by C.
Protein change: p.His230Pro; replaces histidine 230 with proline.
Molecular consequence: missense variant.
Genome position (GRCh38, 1-based): chr1:154,988,421, A>C. VCF-style: chr1-154988421-A-C. GRCh37 (hg19) VCF-style: chr1-154960897-A-C.
Other names: c.398A>C, p.His133Pro (NM_001184891.2, NM_201398.3); c.392A>C, p.His131Pro (NM_001184892.2); c.689A>C (NM_025207.4); short protein forms H133P, H131P, H230P.
Identifiers: ClinVar variation 1949766 (VCV001949766.3), dbSNP rs750044923, ClinGen allele CA1134373.

ClinVar aggregate classification (germline): Uncertain significance. Review status: criteria provided, multiple submitters, no conflicts (2 of 4 stars). 2 submissions from 2 submitters: Uncertain significance (2). Last evaluated 2024-01-16.

Conditions:
Inborn genetic diseases. Identifiers: MedGen C0950123, MeSH D030342.

Allele frequency attached by ClinVar (database versions not stated): gnomAD 0.00001; gnomAD exomes 0.00001; ExAC 0.00002; TOPMed 0.00002.
gnomAD v4.1: 12 of 1,614,120 alleles (0.00074%); highest among the groups gnomAD compares: East Asian, 0.022%; no homozygotes.

Submissions (2):

Ambry Genetics
Classification: Uncertain significance for Inborn genetic diseases. Last evaluated: 2024-01-16. Review status: criteria provided, single submitter. Criteria: Ambry Variant Classification Scheme 2023. Collection method: clinical testing. Allele origin: germline.

Labcorp Genetics (formerly Invitae), Labcorp
Classification: Uncertain significance. Last evaluated: 2022-05-24. Review status: criteria provided, single submitter. Criteria: Invitae Variant Classification Sherloc (09022015). Collection method: clinical testing. Allele origin: germline.
Comment: This sequence change replaces histidine, which is basic and polar, with proline, which is neutral and non-polar, at codon 230 of the FLAD1 protein (p.His230Pro). This variant is present in population databases (rs750044923, gnomAD 0.04%). This variant has not been reported in the literature in individuals affected with FLAD1-related conditions. Algorithms developed to predict the effect of missense changes on protein structure and function are either unavailable or do not agree on the potential impact of this missense change (SIFT: "Tolerated"; PolyPhen-2: "Probably Damaging"; Align-GVGD: "Class C0"). In summary, the available evidence is currently insufficient to determine the role of this variant in disease. Therefore, it has been classified as a Variant of Uncertain Significance.